The following is an entry in ClinVar:

ClinVar aggregate classification (germline): Uncertain significance (1 of 4 stars; one submission).

Submission:

GeneDx
Classification: Uncertain significance. Last evaluated: 2025-08-06. Review status: criteria provided, single submitter. Criteria: GeneDx Variant Classification Process June 2021. Collection method: clinical testing. Allele origin: germline. Affected: yes.
Comment: Not observed at significant frequency in large population cohorts (gnomAD); In silico analysis suggests that this missense variant does not alter protein structure/function; Has not been previously published as pathogenic or benign to our knowledge

NM_004606.5(TAF1):c.2034T>A (p.Asp678Glu)

Gene: TAF1 (TATA-box binding protein associated factor 1; plus strand). Cytogenetic location: Xq13.1.
Variant type: single nucleotide variant.
Coding change: c.2034T>A on transcript NM_004606.5 (MANE Select); coding-DNA position 2034, T replaced by A.
Protein change: p.Asp678Glu; replaces aspartic acid 678 with glutamic acid.
Molecular consequence: missense variant. On other transcripts: non-coding transcript variant (9).
Genome position (GRCh38, 1-based): chrX:71,384,048, T>A. VCF-style: chrX-71384048-T-A. GRCh37 (hg19) VCF-style: chrX-70603898-T-A.
Other names: c.1971T>A, p.Asp657Glu (NM_138923.4, NM_001440854.1); c.2034T>A, p.Asp678Glu (NM_001286074.2, NM_001440852.1, NM_001440853.1); short protein forms D657E, D678E.
Identifiers: ClinVar variation 4755621 (VCV004755621.1).
Genomic context (GRCh38, chrX:71,384,048, plus strand): 5'-AGGTGGTGGAGAGATGTTTTTTATGCGCACACCTCAGGACCTCACAGGCAAAGATGGTGA[T>A]CTTATTCTTGCAGAATATAGTGAGGAAAATGGACCCTTAATGATGCAGGTTGGCATGGCA-3'
Protein context (NP_004597.3, residues 668-688): TPQDLTGKDG[Asp678Glu]LILAEYSEEN